The following is an entry in ClinVar:

ClinVar aggregate classification (germline): Pathogenic (1 of 4 stars; one submission).

Conditions:
Multiple sulfatase deficiency (MSD). Also called: Mucosulfatidosis; Multiple Sulfatase Deficiency Disease; Sulfatidosis, Juvenile, Austin Type. Identifiers: Orphanet 585, MedGen C0268263, MONDO:0010088, OMIM 272200.

Submission:

Myriad Genetics, Inc.
Classification: Pathogenic for Multiple sulfatase deficiency. Last evaluated: 2024-05-14. Review status: criteria provided, single submitter. Criteria: Myriad Autosomal Dominant, Autosomal Recessive and X-Linked Classification Criteria (2023). Collection method: clinical testing. Allele origin: unknown.
Comment: NM_182760.3(SUMF1):c.794_796del3ins14(F265Cfs*7) is expected to be pathogenic in the context of multiple sulfatase deficiency. This variant is predicted to lead to an abnormal or absent protein product due to the creation of a premature termination codon in SUMF1, a gene where loss-of-function variants are known to be pathogenic. Please note: this variant was assessed in the context of healthy population screening.

NM_182760.4(SUMF1):c.794_796delinsGTATAAGAGACAGT (p.Phe265fs)

Gene: SUMF1 (sulfatase modifying factor 1; minus strand). Cytogenetic location: 3p26.1.
Variant type: Indel.
Coding change: c.794_796delinsGTATAAGAGACAGT on transcript NM_182760.4 (MANE Select); coding-DNA positions 794 to 796, TTC replaced by GTATAAGAGACAGT.
Protein change: p.Phe265fs; shifts the reading frame from phenylalanine 265.
Molecular consequence: frameshift variant.
Genome position (GRCh38, 1-based): chr3:4,417,172-4,417,174, GAA replaced by ACTGTCTCTTATAC on the plus strand (TTC replaced by GTATAAGAGACAGT on the coding strand, the reverse complement: SUMF1 is on the minus strand). VCF-style: chr3-4417172-GAA-ACTGTCTCTTATAC. GRCh37 (hg19) VCF-style: chr3-4458856-GAA-ACTGTCTCTTATAC.
Other names: c.719_721delinsGTATAAGAGACAGT, p.Phe240fs (NM_001164674.2); c.794_796delinsGTATAAGAGACAGT, p.Phe265fs (NM_001164675.2); short protein forms F240fs, F265fs.
Identifiers: ClinVar variation 5016392 (VCV005016392.1).